The following is an entry in ClinVar:

ClinVar aggregate classification (germline): Uncertain significance. Review status: criteria provided, multiple submitters, no conflicts (2 of 4 stars). 2 submissions from 2 submitters: Uncertain significance (2). Last evaluated 2023-11-21.

Conditions:
5-Oxoprolinase deficiency (OPLAHD). Also called: 5-OXOPROLINURIA DUE TO 5-OXOPROLINASE DEFICIENCY. Identifiers: Orphanet 33572, MedGen C0268525, MONDO:0009825, OMIM 260005, HP:0040142.

Allele frequency attached by ClinVar (database versions not stated): gnomAD exomes 0.00001; gnomAD 0.00004; TOPMed 0.00006; 1000 Genomes Project 30x 0.00016; 1000 Genomes Project 0.00020.
gnomAD v4.1: 10 of 1,594,548 alleles (0.00063%); highest among the groups gnomAD compares: Admixed American, 0.0087%; no homozygotes.

Submissions (2):

Ambry Genetics
Classification: Uncertain significance. Last evaluated: 2023-11-21. Review status: criteria provided, single submitter. Criteria: Ambry Variant Classification Scheme 2023. Collection method: clinical testing. Allele origin: germline.

Labcorp Genetics (formerly Invitae), Labcorp
Classification: Uncertain significance for 5-Oxoprolinase deficiency. Last evaluated: 2022-04-30. Review status: criteria provided, single submitter. Criteria: Invitae Variant Classification Sherloc (09022015). Collection method: clinical testing. Allele origin: germline.
Comment: Algorithms developed to predict the effect of missense changes on protein structure and function are either unavailable or do not agree on the potential impact of this missense change (SIFT: "Not Available"; PolyPhen-2: "Benign"; Align-GVGD: "Not Available"). In summary, the available evidence is currently insufficient to determine the role of this variant in disease. Therefore, it has been classified as a Variant of Uncertain Significance. This variant has not been reported in the literature in individuals affected with OPLAH-related conditions. This sequence change replaces glycine, which is neutral and non-polar, with glutamic acid, which is acidic and polar, at codon 178 of the OPLAH protein (p.Gly178Glu). This variant is present in population databases (rs567673669, gnomAD 0.007%).

NM_017570.5(OPLAH):c.533G>A (p.Gly178Glu)

Gene: OPLAH (5-oxoprolinase, ATP-hydrolysing; minus strand). Cytogenetic location: 8q24.3.
Variant type: single nucleotide variant.
Coding change: c.533G>A on transcript NM_017570.5 (MANE Select); coding-DNA position 533, G replaced by A.
Protein change: p.Gly178Glu; replaces glycine 178 with glutamic acid.
Molecular consequence: missense variant.
Genome position (GRCh38, 1-based): chr8:144,058,827, C>T on the plus strand (G>A on the coding strand, the complement: OPLAH is on the minus strand). VCF-style: chr8-144058827-C-T. GRCh37 (hg19) VCF-style: chr8-145113730-C-T.
Other names: c.533G>A (NM_017570.3); short protein forms G178E.
Identifiers: ClinVar variation 2047584 (VCV002047584.3), dbSNP rs567673669, ClinGen allele CA187618087.